The following is an entry in ClinVar:

ClinVar aggregate classification (germline): Likely benign (0 of 4 stars; one submission).

Conditions:
SLC22A11-related disorder. Also called: SLC22A11-related condition.

Allele frequency attached by ClinVar (database versions not stated): gnomAD exomes 0.00012; ExAC 0.00046; gnomAD 0.00155; TOPMed 0.00164; ESP Exome Variant Server 0.00169; 1000 Genomes Project 30x 0.00219; 1000 Genomes Project 0.00260.
gnomAD v4.1: 434 of 1,613,700 alleles (0.027%); highest among the groups gnomAD compares: African/African-American, 0.47%; 2 homozygotes.

Submission:

PreventionGenetics, part of Exact Sciences
Classification: Likely benign for SLC22A11-related condition. Last evaluated: 2022-02-23. Review status: no assertion criteria provided. Collection method: clinical testing. Allele origin: germline.
Comment: This variant is classified as likely benign based on ACMG/AMP sequence variant interpretation guidelines (Richards et al. 2015 PMID: 25741868, with internal and published modifications).

NM_018484.4(SLC22A11):c.549G>A (p.Ala183=)

Gene: SLC22A11 (solute carrier family 22 member 11; plus strand). Cytogenetic location: 11q13.1.
Variant type: single nucleotide variant.
Coding change: c.549G>A on transcript NM_018484.4 (MANE Select); coding-DNA position 549, G replaced by A.
Protein change: p.Ala183=; no amino-acid change (alanine 183 retained).
Molecular consequence: synonymous variant.
Genome position (GRCh38, 1-based): chr11:64,562,055, G>A. VCF-style: chr11-64562055-G-A. GRCh37 (hg19) VCF-style: chr11-64329527-G-A.
Other names: c.549G>A, p.Ala183= (NM_001307985.2).
Identifiers: ClinVar variation 3053321 (VCV003053321.2), dbSNP rs35464738, ClinGen allele CA6076555.